The following is an entry in ClinVar:

NM_198334.3(GANAB):c.2309del (p.Pro770fs)

Gene: GANAB (glucosidase II alpha subunit; minus strand). Cytogenetic location: 11q12.3.
Variant type: Deletion.
Coding change: c.2309del on transcript NM_198334.3 (MANE Select); coding-DNA position 2309, one base deleted (C; older notation c.2309delC).
Protein change: p.Pro770fs; shifts the reading frame from proline 770.
Molecular consequence: frameshift variant.
Genome position (GRCh38, 1-based): chr11:62,627,061, G deleted on the plus strand (C on the coding strand, the reverse complement: GANAB is on the minus strand); the first of 2 consecutive G bases (chr11:62,627,061-62,627,062); deleting either gives the same sequence. VCF-style (leftmost placement, unchanged base first): chr11-62627060-AG-A. GRCh37 (hg19) VCF-style: chr11-62394532-AG-A.
Other names: c.2033del, p.Pro678fs (NM_001278192.2); c.1967del, p.Pro656fs (NM_001278193.2); c.2018del, p.Pro673fs (NM_001278194.2, NM_001329222.2, NM_001329223.2); c.1586del, p.Pro529fs (NM_001329224.2, NM_001329225.2); c.2375del, p.Pro792fs (NM_198335.4); short protein forms P529fs, P656fs, P673fs, P678fs, P770fs, P792fs.
Identifiers: ClinVar variation 5038186 (VCV005038186.1).

ClinVar aggregate classification (germline): Likely pathogenic (1 of 4 stars; one submission).

Conditions:
Polycystic kidney disease 3 with or without polycystic liver disease. Also called: Polycystic kidney disease 3; POLYCYSTIC KIDNEY DISEASE, ADULT, TYPE III; Polycystic Kidney and/or Polycystic Liver Disease 3. Identifiers: MedGen C3887964, MONDO:0010916, OMIM 600666.

Submission:

MVZ Medizinische Genetik Mainz
Classification: Likely pathogenic for Polycystic kidney disease 3 with or without polycystic liver disease. Last evaluated: 2026-10-15. Review status: criteria provided, single submitter. Criteria: UK Practice Guidelines For Variant Classification V4 01 2020. Collection method: clinical testing. Allele origin: germline. Inheritance: Autosomal dominant inheritance. Affected: yes. Observed: 1 variant allele.
Comment: ACMG Criteria: PVS1,PM2_SUP